The following is an entry in ClinVar:

NM_001244008.2(KIF1A):c.1267G>A (p.Ala423Thr)

Gene: KIF1A (kinesin family member 1A; minus strand). Cytogenetic location: 2q37.3.
Variant type: single nucleotide variant.
Coding change: c.1267G>A on transcript NM_001244008.2 (MANE Select); coding-DNA position 1267, G replaced by A.
Protein change: p.Ala423Thr; replaces alanine 423 with threonine.
Molecular consequence: missense variant.
Genome position (GRCh38, 1-based): chr2:240,771,045, C>T on the plus strand (G>A on the coding strand, the complement: KIF1A is on the minus strand). VCF-style: chr2-240771045-C-T. GRCh37 (hg19) VCF-style: chr2-241710462-C-T.
Other names: c.1267G>A, p.Ala423Thr (NM_001320705.2, NM_001330289.2, NM_001379638.1); c.1342G>A, p.Ala448Thr (NM_001330290.2, NM_001379631.1, NM_001379634.1 and 2 more transcripts); c.1240G>A, p.Ala414Thr (NM_001379632.1, NM_001379633.1, NM_001379636.1 and 10 more transcripts); c.1315G>A, p.Ala439Thr (NM_001379637.1, NM_001379648.1); short protein forms A439T, A414T, A423T, A448T.
Identifiers: ClinVar variation 1032196 (VCV001032196.7), dbSNP rs1345536541, ClinGen allele CA351330554.

ClinVar aggregate classification (germline): Conflicting classifications of pathogenicity. Review status: criteria provided, conflicting classifications (1 of 4 stars). 2 submissions from 2 submitters: Uncertain significance (1); Likely benign (1). Last evaluated 2025-11-08.

Conditions:
Neuropathy, hereditary sensory, type 2C. Also called: Hereditary sensory and autonomic neuropathy type IIC; KIF1A-Related HSAN2 (HSAN2C). Identifiers: Orphanet 970, MedGen C3280168, MONDO:0013634, OMIM 614213.
Intellectual disability, autosomal dominant 9 (NESCAVS). Also called: KIF1A-Related Neurodevelopmental Disorder; NESCAV SYNDROME. Identifiers: Orphanet 662367, MedGen C5393830, MONDO:0013656, OMIM 614255.
Hereditary spastic paraplegia 30. Identifiers: Orphanet 101010, MedGen C5235139, MONDO:0012476.

Allele frequency attached by ClinVar (database versions not stated): gnomAD exomes below 0.00001 and 0.00001; gnomAD 0.00001; TOPMed 0.00001.
gnomAD v4.1: 7 of 1,613,148 alleles (0.00043%); highest among the groups gnomAD compares: South Asian, 0.0044%; no homozygotes.

Submissions (2):

Labcorp Genetics (formerly Invitae), Labcorp
Classification: Likely benign for Hereditary spastic paraplegia 30; Neuropathy, hereditary sensory, type 2C; Intellectual disability, autosomal dominant 9. Last evaluated: 2025-11-08. Review status: criteria provided, single submitter. Criteria: Invitae Variant Classification Sherloc (09022015). Collection method: clinical testing. Allele origin: germline.

Baylor Genetics
Classification: Uncertain significance for Intellectual disability, autosomal dominant 9. Last evaluated: 2018-09-21. Review status: criteria provided, single submitter. Criteria: ACMG Guidelines, 2015. Collection method: clinical testing. Allele origin: unknown. Affected: yes.
Comment: This variant was determined to be of uncertain significance according to ACMG Guidelines, 2015 [PMID:25741868].